The following is an entry in ClinVar:

NM_005612.5(REST):c.2741A>G (p.Asn914Ser)

Gene: REST (RE1 silencing transcription factor; plus strand). Cytogenetic location: 4q12.
Variant type: single nucleotide variant.
Coding change: c.2741A>G on transcript NM_005612.5 (MANE Select); coding-DNA position 2741, A replaced by G.
Protein change: p.Asn914Ser; replaces asparagine 914 with serine.
Molecular consequence: missense variant.
Genome position (GRCh38, 1-based): chr4:56,931,599, A>G. VCF-style: chr4-56931599-A-G. GRCh37 (hg19) VCF-style: chr4-57797765-A-G.
Other names: c.2741A>G, p.Asn914Ser (NM_001193508.2, NM_001363453.3); short protein forms N914S.
Identifiers: ClinVar variation 2170568 (VCV002170568.5), dbSNP rs751463729, ClinGen allele CA2932545.

ClinVar aggregate classification (germline): Uncertain significance. Review status: criteria provided, multiple submitters, no conflicts (2 of 4 stars). 2 submissions from 2 submitters: Uncertain significance (2). Last evaluated 2023-12-30.

Conditions:
Autosomal dominant nonsyndromic hearing loss 27. Also called: Deafness, autosomal dominant 27. Identifiers: Orphanet 90635, MedGen C3887929, MONDO:0012902, OMIM 612431.
Fibromatosis, gingival, 5. Also called: FIBROMATOSIS, GINGIVAL, HEREDITARY, 5. Identifiers: MedGen C4539942, MONDO:0033493, OMIM 617626.
Wilms tumor 6 (WT6). Also called: WILMS TUMOR 6, SUSCEPTIBILITY TO. Identifiers: Orphanet 654, MedGen C3891301, MONDO:0014779, OMIM 616806.

Allele frequency attached by ClinVar (database versions not stated): ExAC 0.00001; gnomAD exomes 0.00001; TOPMed 0.00002.
gnomAD v4.1: 20 of 1,614,234 alleles (0.0012%); highest among the groups gnomAD compares: Middle Eastern, 0.033%; no homozygotes.

Submissions (2):

Fulgent Genetics
Classification: Uncertain significance for Autosomal dominant nonsyndromic hearing loss 27; Wilms tumor 6; Fibromatosis, gingival, 5. Last evaluated: 2023-12-30. Review status: criteria provided, single submitter. Criteria: ACMG Guidelines, 2015. Collection method: clinical testing. Allele origin: germline.

Labcorp Genetics (formerly Invitae), Labcorp
Classification: Uncertain significance. Last evaluated: 2022-09-06. Review status: criteria provided, single submitter. Criteria: Invitae Variant Classification Sherloc (09022015). Collection method: clinical testing. Allele origin: germline.
Comment: This sequence change replaces asparagine, which is neutral and polar, with serine, which is neutral and polar, at codon 914 of the REST protein (p.Asn914Ser). This variant is present in population databases (rs751463729, gnomAD 0.007%). This variant has not been reported in the literature in individuals affected with REST-related conditions. Algorithms developed to predict the effect of missense changes on protein structure and function output the following: SIFT: "Tolerated"; PolyPhen-2: "Benign"; Align-GVGD: "Class C0". The serine amino acid residue is found in multiple mammalian species, which suggests that this missense change does not adversely affect protein function. In summary, the available evidence is currently insufficient to determine the role of this variant in disease. Therefore, it has been classified as a Variant of Uncertain Significance.